The following is an entry in ClinVar:

ClinVar aggregate classification (germline): Likely pathogenic (1 of 4 stars; one submission).

Submission:

Labcorp Genetics (formerly Invitae), Labcorp
Classification: Likely pathogenic. Last evaluated: 2025-01-06. Review status: criteria provided, single submitter. Criteria: Invitae Variant Classification Sherloc (09022015). Collection method: clinical testing. Allele origin: germline.
Comment: This sequence change affects an acceptor splice site in intron 24 of the MYO18B gene. It is expected to disrupt RNA splicing. Variants that disrupt the donor or acceptor splice site typically lead to a loss of protein function (PMID: 16199547), and loss-of-function variants in MYO18B are known to be pathogenic (PMID: 25748484, 32184166, 32637634). This variant is not present in population databases (gnomAD no frequency). This variant has not been reported in the literature in individuals affected with MYO18B-related conditions. ClinVar contains an entry for this variant (Variation ID: 2967713). Algorithms developed to predict the effect of sequence changes on RNA splicing suggest that this variant may disrupt the consensus splice site. In summary, the currently available evidence indicates that the variant is pathogenic, but additional data are needed to prove that conclusively. Therefore, this variant has been classified as Likely Pathogenic.

Literature cited by the submitters: PubMed 16199547; PubMed 25748484; PubMed 32184166; PubMed 32637634.

NM_032608.7(MYO18B):c.4225-1G>A

Gene: MYO18B (myosin XVIIIB; plus strand). Cytogenetic location: 22q12.1.
Variant type: single nucleotide variant.
Coding change: c.4225-1G>A on transcript NM_032608.7 (MANE Select); the canonical splice acceptor site of the intron before coding-DNA position 4225, G replaced by A.
Molecular consequence: splice acceptor variant.
Genome position (GRCh38, 1-based): chr22:25,877,958, G>A. VCF-style: chr22-25877958-G-A. GRCh37 (hg19) VCF-style: chr22-26273925-G-A.
Other names: c.4228-1G>A (NM_001318245.2).
Identifiers: ClinVar variation 2967713 (VCV002967713.3), dbSNP rs2517726735, ClinGen allele CA411007876.